The following is an entry in ClinVar:

NM_001042492.3(NF1):c.7520C>T (p.Thr2507Ile)

Gene: NF1 (neurofibromin 1; plus strand). Cytogenetic location: 17q11.2.
Variant type: single nucleotide variant.
Coding change: c.7520C>T on transcript NM_001042492.3 (MANE Select); coding-DNA position 7520, C replaced by T.
Protein change: p.Thr2507Ile; replaces threonine 2507 with isoleucine.
Molecular consequence: missense variant.
Genome position (GRCh38, 1-based): chr17:31,352,319, C>T. VCF-style: chr17-31352319-C-T. GRCh37 (hg19) VCF-style: chr17-29679337-C-T.
Other names: c.7457C>T, p.Thr2486Ile (NM_000267.4); short protein forms T2486I, T2507I.
Identifiers: ClinVar variation 141844 (VCV000141844.28), dbSNP rs149055633, ClinGen allele CA166586.

ClinVar aggregate classification (germline): Conflicting classifications of pathogenicity. Review status: criteria provided, conflicting classifications (1 of 4 stars). 11 submissions from 10 submitters: Uncertain significance (5); Likely benign (6). Last evaluated 2026-03-24.

Conditions:
Cardiovascular phenotype. Identifiers: MedGen CN230736.
Hereditary cancer-predisposing syndrome. Also called: Tumor predisposition; Neoplastic Syndromes, Hereditary; Hereditary neoplastic syndrome; Hereditary Cancer Syndrome. Identifiers: Orphanet 140162, MedGen C0027672, MeSH D009386, MONDO:0015356.
NF1-related disorder. Also called: NF1-related condition. Identifiers: MedGen CN379171.
Neurofibromatosis, type 1 (NF1). Also called: NEUROFIBROMATOSIS, TYPE I, SOMATIC; VON RECKLINGHAUSEN DISEASE; Peripheral type neurofibromatosis; Neurofibromatosis, type I. Identifiers: Orphanet 636, MedGen C0027831, MONDO:0018975, OMIM 162200. Disease mechanism: loss of function.
Neurofibromatosis-Noonan syndrome (NFNS). Also called: NEUROFIBROMATOSIS WITH NOONAN PHENOTYPE. Identifiers: Orphanet 638, MedGen C2931482, MONDO:0011035, OMIM 601321. Disease mechanism: loss of function.
Café-au-lait macules with pulmonary stenosis (WTSN). Also called: PULMONIC STENOSIS WITH CAFE-AU-LAIT SPOTS. Identifiers: MedGen C0553586, MONDO:0008672, OMIM 193520.
Neurofibromatosis, familial spinal (FSNF). Identifiers: Orphanet 636, MedGen C1834235, MONDO:0008078, OMIM 162210. Disease mechanism: loss of function.
Juvenile myelomonocytic leukemia (JMML). Also called: LEUKEMIA, JUVENILE MYELOMONOCYTIC, SOMATIC. Identifiers: Orphanet 86834, MedGen C0349639, MONDO:0011908, OMIM 607785, HP:0012209.

Allele frequency attached by ClinVar (database versions not stated): ESP Exome Variant Server 0.00015; ExAC 0.00005; gnomAD 0.00006 and 0.00007; gnomAD exomes 0.00006 and 0.00013; TOPMed 0.00008.
gnomAD v4.1: 197 of 1,614,026 alleles (0.012%); highest among the groups gnomAD compares: Non-Finnish European, 0.016%; no homozygotes.

Submissions (11):

Dasa
Classification: Uncertain significance. Last evaluated: 2026-03-24. Review status: criteria provided, single submitter. Criteria: DASA Assertion Criteria. Collection method: clinical testing. Allele origin: germline.
Comment: NM_001042492.3(NF1):c.7520C>T (p.Thr2507Ile) is a missense variant that results in the substitution of threonine with isoleucine. This variant is rare in population databases. The currently available literature and clinical evidence are not sufficient to establish a definitive association between this variant and the reported condition. Therefore, this variant is classified as a variant of uncertain significance.

Labcorp Genetics (formerly Invitae), Labcorp
Classification: Likely benign for Neurofibromatosis, type 1. Last evaluated: 2026-01-27. Review status: criteria provided, single submitter. Criteria: Invitae Variant Classification Sherloc (09022015). Collection method: clinical testing. Allele origin: germline.

PreventionGenetics, part of Exact Sciences
Classification: Likely benign for NF1-related condition. Last evaluated: 2025-07-28. Review status: criteria provided, single submitter. Criteria: ACMG Guidelines, 2015. Collection method: clinical testing. Allele origin: germline.
Comment: This variant is classified as likely benign based on ACMG/AMP sequence variant interpretation guidelines (Richards et al. 2015 PMID: 25741868, with internal and published modifications).

Molecular Diagnostics Laboratory, Catalan Institute of Oncology
Classification: Uncertain significance for Hereditary cancer-predisposing syndrome. Last evaluated: 2025-07-09. Review status: criteria provided, single submitter. Criteria: ACMG Guidelines, 2015. Collection method: clinical testing. Allele origin: germline.
Comment: BP4 c.7520C>T, located in exon 51 of the MANEselect transcript (NM_001042492.3) of the NF1 gene, is predicted to result in the substitution of threonine with isoleucine at codon 2507, p.(Thr2507Ile). This variant can also be called c.7457C>T; p.(Thr2486Ile), according to transcript NM_000267.3. The variant was found in 12 out of 102730 alleles, with a filter allele frequency of 0.0067% at 95% confidence, within the European (non-Finnish) population in the gnomAD v2.1.1 database (non-cancer dataset). The SpliceAI algorithm predicts no significant impact on splicing. The REVEL meta-predictor score for this variant (0.22) suggests that it does not affect the protein function according to Pejaver 2022 thresholds (PMID: 36413997) (BP4). To our knowledge, functional studies have not been reported for this variant. This variant has been reported in ClinVar (4x uncertain significance, 4x likely benign) and in the LOVD database (2x benign, 2x likely benign, 2x not classified). Based on the currently available evidence, c.7520C>T is classified as an uncertain significance variant according to ACMG guidelines.

Blueprint Genetics
Classification: Likely benign. Last evaluated: 2024-01-08. Review status: criteria provided, single submitter. Criteria: ACMG Guidelines, 2015. Collection method: clinical testing. Allele origin: germline.

Quest Diagnostics Nichols Institute San Juan Capistrano
Classification: Uncertain significance. Last evaluated: 2023-10-20. Review status: criteria provided, single submitter. Criteria: Quest Diagnostics criteria. Collection method: clinical testing. Allele origin: unknown.

Genetic Services Laboratory, University of Chicago
Classification: Uncertain significance. Last evaluated: 2020-12-10. Review status: criteria provided, single submitter. Criteria: ACMG Guidelines, 2015. Collection method: clinical testing. Allele origin: germline. Affected: no.
Comment: DNA sequence analysis of the NF1 gene demonstrated a sequence change, c.7457C>T, in exon 50 that results in an amino acid change, p.Thr2486Ile. This sequence change has been described in the gnomAD database with a frequency of 0.012% in the European sub-population (dbSNP rs149055633). The p.Thr2486Ile change has been described in individuals with neurofibromatosis type 1 (PMID: 10712197). The p.Thr2486Ile change affects a poorly conserved amino acid residue located in a domain of the NF1 protein that is known to be functional. The p.Thr2486Ile substitution appears to be benign using several in-silico pathogenicity prediction tools (SIFT, PolyPhen2, Align GVGD, REVEL). Due to these contrasting evidences and the lack of functional studies, the clinical significance of the p.Thr2486Ile change remains unknown at this time.

Ambry Genetics
Classification: Likely benign for Cardiovascular phenotype; Hereditary cancer-predisposing syndrome. Last evaluated: 2020-06-05. Review status: criteria provided, single submitter. Criteria: Ambry Variant Classification Scheme 2023. Collection method: clinical testing. Allele origin: germline.

GeneDx
Classification: Likely benign. Last evaluated: 2020-05-18. Review status: criteria provided, single submitter. Criteria: GeneDx Variant Classification Process June 2021. Collection method: clinical testing. Allele origin: germline. Affected: yes.
Comment: In silico analysis supports that this missense variant does not alter protein structure/function; This variant is associated with the following publications: (PMID: 10712197, 18041031)

Fulgent Genetics
Classification: Uncertain significance for Neurofibromatosis, type 1; Neurofibromatosis, familial spinal; Café-au-lait macules with pulmonary stenosis; Neurofibromatosis-Noonan syndrome; Juvenile myelomonocytic leukemia. Last evaluated: 2018-10-31. Review status: criteria provided, single submitter. Criteria: ACMG Guidelines, 2015. Collection method: clinical testing. Allele origin: unknown.

Ambry Genetics
Classification: Likely benign for Hereditary cancer-predisposing syndrome. Last evaluated: 2015-12-05. Review status: criteria provided, single submitter. Criteria: Ambry Autosomal Dominant and X-Linked criteria (10/2015). Collection method: clinical testing. Allele origin: germline. Observed: 1 variant allele.
Comment: Detected in individual satisfying established diagnostic critera for classic disease without a clear mutation;in silico models in agreement (benign);Insufficient or Conflicting Evidence;Rarity in general population databases (dbSNP, ESP, 1000 Genomes)

Literature cited by the submitters: PubMed 33606809 (cited by Quest Diagnostics Nichols Institute San Juan Capistrano); PubMed 33471991 (cited by Quest Diagnostics Nichols Institute San Juan Capistrano); PubMed 10712197 (cited by Quest Diagnostics Nichols Institute San Juan Capistrano and Ambry Genetics); PubMed 18041031 (cited by Quest Diagnostics Nichols Institute San Juan Capistrano and Ambry Genetics).